The following is an entry in ClinVar:

NM_004304.5(ALK):c.1414+1G>A

Gene: ALK (ALK receptor tyrosine kinase; minus strand). Cytogenetic location: 2p23.2.
Variant type: single nucleotide variant.
Coding change: c.1414+1G>A on transcript NM_004304.5 (MANE Select); the canonical splice donor site of the intron after coding-DNA position 1414, G replaced by A.
Molecular consequence: splice donor variant.
Genome position (GRCh38, 1-based): chr2:29,328,349, C>T on the plus strand (G>A on the coding strand, the complement: ALK is on the minus strand). VCF-style: chr2-29328349-C-T. GRCh37 (hg19) VCF-style: chr2-29551215-C-T.
Identifiers: ClinVar variation 470749 (VCV000470749.11), dbSNP rs777414641, ClinGen allele CA1594665.

ClinVar aggregate classification (germline): Uncertain significance. Review status: criteria provided, multiple submitters, no conflicts (2 of 4 stars). 3 submissions from 3 submitters: Uncertain significance (3). Last evaluated 2025-11-23.

Conditions:
Neuroblastoma, susceptibility to, 3. Also called: ALK-Related Neuroblastic Tumor Susceptibility. Identifiers: Orphanet 635, MedGen C2751681, MONDO:0013083, OMIM 613014.
Hereditary cancer-predisposing syndrome. Also called: Hereditary neoplastic syndrome; Neoplastic Syndromes, Hereditary; Tumor predisposition; Hereditary Cancer Syndrome. Identifiers: Orphanet 140162, MedGen C0027672, MeSH D009386, MONDO:0015356.

Allele frequency attached by ClinVar (database versions not stated): ExAC 0.00001; gnomAD 0.00001; gnomAD exomes 0.00001; TOPMed 0.00003.
gnomAD v4.1: 15 of 1,613,996 alleles (0.00093%); highest among the groups gnomAD compares: African/African-American, 0.0053%; no homozygotes.

Submissions (3):

Labcorp Genetics (formerly Invitae), Labcorp
Classification: Uncertain significance for Neuroblastoma, susceptibility to, 3. Last evaluated: 2025-11-23. Review status: criteria provided, single submitter. Criteria: Invitae Variant Classification Sherloc (09022015). Collection method: clinical testing. Allele origin: germline.
Comment: This sequence change affects a donor splice site in intron 6 of the ALK gene. It is expected to disrupt RNA splicing. Variants that disrupt the donor or acceptor splice site typically lead to a loss of protein function (PMID: 16199547), however the current clinical and genetic evidence is not sufficient to establish whether loss-of-function variants in ALK cause disease. This variant is present in population databases (rs777414641, gnomAD 0.007%). This variant has not been reported in the literature in individuals affected with ALK-related conditions. ClinVar contains an entry for this variant (Variation ID: 470749). Algorithms developed to predict the effect of sequence changes on RNA splicing suggest that this variant may disrupt the consensus splice site. In summary, the available evidence is currently insufficient to determine the role of this variant in disease. Therefore, it has been classified as a Variant of Uncertain Significance.

Ambry Genetics
Classification: Uncertain significance for Hereditary cancer-predisposing syndrome. Last evaluated: 2025-01-08. Review status: criteria provided, single submitter. Criteria: Ambry Variant Classification Scheme 2023. Collection method: clinical testing. Allele origin: germline.
Comment: The c.1414+1G>A intronic variant results from a G to A substitution one nucleotide after coding exon 6 of the ALK gene. This nucleotide position is highly conserved in available vertebrate species. In silico splice site analysis predicts that this alteration will weaken the native splice donor site. Alterations that disrupt the canonical splice site are expected to cause aberrant splicing, resulting in an abnormal protein or a transcript that is subject to nonsense-mediated mRNA decay. However, loss of function of ALK has not been established as a mechanism of disease. Based on the available evidence, the clinical significance of this alteration remains unclear.

GeneDx
Classification: Uncertain significance. Last evaluated: 2024-08-08. Review status: criteria provided, single submitter. Criteria: GeneDx Variant Classification Process June 2021. Collection method: clinical testing. Allele origin: germline. Affected: yes.
Comment: Canonical splice site variant in a gene or region of a gene for which loss of function is not a well-established mechanism of disease; Observed in individuals with a personal and/or family history of gastric or breast cancer (PMID: 28875981, 36315513); Not observed at significant frequency in large population cohorts (gnomAD); This variant is associated with the following publications: (PMID: 36315513, 27930734, 28875981)

Literature cited by the submitters: PubMed 16199547 (cited by Labcorp Genetics (formerly Invitae), Labcorp).